The following is an entry in ClinVar:

ClinVar aggregate classification (germline): Uncertain significance (1 of 4 stars; one submission).

gnomAD v4.1: 1 of 1,228,734 alleles (0.000081%); highest among the groups gnomAD compares: South Asian, 0.0041%; no homozygotes.

Submission:

GeneDx
Classification: Uncertain significance. Last evaluated: 2026-03-25. Review status: criteria provided, single submitter. Criteria: GeneDx Variant Classification Process June 2021. Collection method: clinical testing. Allele origin: germline.
Comment: Reported using an alternate transcript of the gene; Not observed at significant frequency in large population cohorts (gnomAD); Nonsense variant predicted to result in protein truncation or nonsense mediated decay in a gene or region of a gene for which loss of function is not a well-established mechanism of disease; Has not been previously published as pathogenic or benign to our knowledge

NM_016525.5(UBAP1):c.-23C>T

Gene: UBAP1 (ubiquitin associated protein 1; plus strand). Cytogenetic location: 9p13.3.
Variant type: single nucleotide variant.
Coding change: c.-23C>T on transcript NM_016525.5 (MANE Select); 23 bases upstream of the start codon, C replaced by T.
Molecular consequence: 5 prime UTR variant. On other transcripts: nonsense (2), non-coding transcript variant (1).
Genome position (GRCh38, 1-based): chr9:34,179,225, C>T. VCF-style: chr9-34179225-C-T. GRCh37 (hg19) VCF-style: chr9-34179223-C-T.
Other names: c.211C>T, p.Gln71Ter (NM_001171201.1, NM_001171202.1); c.-178C>T (NM_001171203.3); c.-146C>T (NM_001171204.3); short protein forms Q71*.
Identifiers: ClinVar variation 5017257 (VCV005017257.1).